The following is an entry in ClinVar:

ClinVar aggregate classification (germline): Uncertain significance. Review status: criteria provided, multiple submitters, no conflicts (2 of 4 stars). 2 submissions from 2 submitters: Uncertain significance (2). Last evaluated 2024-07-24.

Conditions:
Tuberous sclerosis 1 (TSC1). Identifiers: Orphanet 805, MedGen C1854465, MONDO:0008612, OMIM 191100.

Submissions (2):

GeneDx
Classification: Uncertain significance. Last evaluated: 2024-07-24. Review status: criteria provided, single submitter. Criteria: GeneDx Variant Classification Process June 2021. Collection method: clinical testing. Allele origin: germline. Affected: yes.
Comment: Not observed at significant frequency in large population cohorts (gnomAD); In silico analysis indicates that this missense variant does not alter protein structure/function; Has not been previously published as pathogenic or benign to our knowledge; This variant is associated with the following publications: (PMID: 18466115)

Labcorp Genetics (formerly Invitae), Labcorp
Classification: Uncertain significance for Tuberous sclerosis 1. Last evaluated: 2022-07-19. Review status: criteria provided, single submitter. Criteria: Invitae Variant Classification Sherloc (09022015). Collection method: clinical testing. Allele origin: germline.
Comment: This variant is not present in population databases (gnomAD no frequency). This sequence change replaces glutamic acid, which is acidic and polar, with glycine, which is neutral and non-polar, at codon 987 of the TSC1 protein (p.Glu987Gly). This variant has not been reported in the literature in individuals affected with TSC1-related conditions. In summary, the available evidence is currently insufficient to determine the role of this variant in disease. Therefore, it has been classified as a Variant of Uncertain Significance. Algorithms developed to predict the effect of missense changes on protein structure and function are either unavailable or do not agree on the potential impact of this missense change (SIFT: "Deleterious"; PolyPhen-2: "Benign"; Align-GVGD: "Class C0"). ClinVar contains an entry for this variant (Variation ID: 1008163).

NM_000368.5(TSC1):c.2960A>G (p.Glu987Gly)

Gene: TSC1 (TSC complex subunit 1; minus strand). Cytogenetic location: 9q34.13.
Variant type: single nucleotide variant.
Coding change: c.2960A>G on transcript NM_000368.5 (MANE Select); coding-DNA position 2960, A replaced by G.
Protein change: p.Glu987Gly; replaces glutamic acid 987 with glycine.
Molecular consequence: missense variant.
Genome position (GRCh38, 1-based): chr9:132,897,199, T>C on the plus strand (A>G on the coding strand, the complement: TSC1 is on the minus strand). VCF-style: chr9-132897199-T-C. GRCh37 (hg19) VCF-style: chr9-135772586-T-C.
Other names: c.2960A>G (NM_000368.4); c.2957A>G, p.Glu986Gly (NM_001162426.2); c.2807A>G, p.Glu936Gly (NM_001162427.2); c.2597A>G, p.Glu866Gly (NM_001362177.2); short protein forms E866G, E936G, E986G, E987G.
Identifiers: ClinVar variation 1008163 (VCV001008163.9), dbSNP rs867884507, ClinGen allele CA375368265.